The following is an entry in ClinVar:

NM_001201427.2(DAAM2):c.9C>T (p.Pro3=)

Gene: DAAM2 (dishevelled associated activator of morphogenesis 2; plus strand). Cytogenetic location: 6p21.2.
Variant type: single nucleotide variant.
Coding change: c.9C>T on transcript NM_001201427.2 (MANE Select); coding-DNA position 9, C replaced by T.
Protein change: p.Pro3=; no amino-acid change (proline 3 retained).
Molecular consequence: synonymous variant.
Genome position (GRCh38, 1-based): chr6:39,856,311, C>T. VCF-style: chr6-39856311-C-T. GRCh37 (hg19) VCF-style: chr6-39824087-C-T.
Other names: c.9C>T, p.Pro3= (NM_015345.4).
Identifiers: ClinVar variation 3352732 (VCV003352732.1).

ClinVar aggregate classification (germline): Likely benign (0 of 4 stars; one submission).

Conditions:
DAAM2-related disorder. Also called: DAAM2-related condition.

gnomAD v4.1: 255 of 1,534,890 alleles (0.017%); highest among the groups gnomAD compares: African/African-American, 0.15%; no homozygotes.

Submission:

PreventionGenetics, part of Exact Sciences
Classification: Likely benign for DAAM2-related condition. Last evaluated: 2024-06-14. Review status: no assertion criteria provided. Collection method: clinical testing. Allele origin: germline.
Comment: This variant is classified as likely benign based on ACMG/AMP sequence variant interpretation guidelines (Richards et al. 2015 PMID: 25741868, with internal and published modifications).